The following is an entry in ClinVar:

NM_018051.5(DYNC2I1):c.49G>A (p.Asp17Asn)

Gene: DYNC2I1 (dynein 2 intermediate chain 1; plus strand). Cytogenetic location: 7q36.3.
Variant type: single nucleotide variant.
Coding change: c.49G>A on transcript NM_018051.5 (MANE Select); coding-DNA position 49, G replaced by A.
Protein change: p.Asp17Asn; replaces aspartic acid 17 with asparagine.
Molecular consequence: missense variant. On other transcripts: 5 prime UTR variant (5).
Genome position (GRCh38, 1-based): chr7:158,869,888, G>A. VCF-style: chr7-158869888-G-A. GRCh37 (hg19) VCF-style: chr7-158662579-G-A.
Other names: c.49G>A (NM_018051.4); c.-90G>A (NM_001350914.2); c.-469G>A (NM_001350915.2); c.-1310G>A (NM_001350916.2); c.-1318G>A (NM_001350917.2); c.-1437G>A (NM_001350918.2); short protein forms D17N.
Identifiers: ClinVar variation 1680637 (VCV001680637.8), dbSNP rs374477653, ClinGen allele CA4594220.
Genomic context (GRCh38, chr7:158,869,888, plus strand): 5'-ATTCTAACTTTATACTTTTCTATTTAGAGAAGAACCAAAGATGATACCTGGAAAGCAGAT[G>A]ACCTCAGAAAACATCTCTGGGTAATTATTGTAAAGATTTGGATTGGGATCTGTGCAGGAC-3'
Protein context (NP_060521.4, residues 7-27): RTKDDTWKAD[Asp17Asn]LRKHLWAIQS

ClinVar aggregate classification (germline): Uncertain significance. Review status: criteria provided, multiple submitters, no conflicts (2 of 4 stars). 2 submissions from 2 submitters: Uncertain significance (2). Last evaluated 2026-01-19.

Conditions:
Inborn genetic diseases. Identifiers: MedGen C0950123, MeSH D030342.
Short-rib thoracic dysplasia 8 with or without polydactyly (SRTD8). Also called: SHORT-RIB THORACIC DYSPLASIA 8 WITH POLYDACTYLY. Identifiers: Orphanet 93271, MedGen C3809691, MONDO:0014214, OMIM 615503.

Allele frequency attached by ClinVar (database versions not stated): TOPMed 0.00004; ExAC 0.00005; gnomAD 0.00003; ESP Exome Variant Server 0.00008; gnomAD exomes 0.00004.
gnomAD v4.1: 66 of 1,613,448 alleles (0.0041%); highest among the groups gnomAD compares: Non-Finnish European, 0.0053%; 1 homozygote.

Submissions (2):

Labcorp Genetics (formerly Invitae), Labcorp
Classification: Uncertain significance for Short-rib thoracic dysplasia 8 with or without polydactyly. Last evaluated: 2026-01-19. Review status: criteria provided, single submitter. Criteria: Invitae Variant Classification Sherloc (09022015). Collection method: clinical testing. Allele origin: germline.
Comment: This sequence change replaces aspartic acid, which is acidic and polar, with asparagine, which is neutral and polar, at codon 17 of the WDR60 protein (p.Asp17Asn). This variant is present in population databases (rs374477653, gnomAD 0.01%). This variant has not been reported in the literature in individuals affected with WDR60-related conditions. ClinVar contains an entry for this variant (Variation ID: 1680637). An algorithm developed to predict the effect of missense changes on protein structure and function (PolyPhen-2) suggests that this variant is likely to be disruptive. In summary, the available evidence is currently insufficient to determine the role of this variant in disease. Therefore, it has been classified as a Variant of Uncertain Significance.

Ambry Genetics
Classification: Uncertain significance for Inborn genetic diseases. Last evaluated: 2024-08-14. Review status: criteria provided, single submitter. Criteria: Ambry Variant Classification Scheme 2023. Collection method: clinical testing. Allele origin: germline.